The following is an entry in ClinVar:

ClinVar aggregate classification (germline): Uncertain significance (1 of 4 stars; one submission).

Conditions:
Hereditary cancer-predisposing syndrome. Also called: Neoplastic Syndromes, Hereditary; Hereditary Cancer Syndrome; Tumor predisposition; Hereditary neoplastic syndrome. Identifiers: Orphanet 140162, MedGen C0027672, MeSH D009386, MONDO:0015356.

Submission:

Ambry Genetics
Classification: Uncertain significance for Hereditary cancer-predisposing syndrome. Last evaluated: 2024-12-20. Review status: criteria provided, single submitter. Criteria: Ambry Variant Classification Scheme 2023. Collection method: clinical testing. Allele origin: germline.
Comment: The p.P10H variant (also known as c.29C>A), located in coding exon 1 of the TMEM127 gene, results from a C to A substitution at nucleotide position 29. The proline at codon 10 is replaced by histidine, an amino acid with similar properties. This amino acid position is conserved. In addition, the in silico prediction for this alteration is inconclusive. Based on the available evidence, the clinical significance of this variant remains unclear.

NM_017849.4(TMEM127):c.29C>A (p.Pro10His)

Genes: TMEM127 (transmembrane protein 127; minus strand), LOC129934333 (ATAC-STARR-seq lymphoblastoid silent region 11759; plus strand). Cytogenetic location: 2q11.2.
Variant type: single nucleotide variant.
Coding change: c.29C>A on transcript NM_017849.4 (MANE Select); coding-DNA position 29, C replaced by A.
Protein change: p.Pro10His; replaces proline 10 with histidine.
Molecular consequence: missense variant. On other transcripts: intron variant (1).
Genome position (GRCh38, 1-based): chr2:96,265,353, G>T on the plus strand (C>A on the coding strand, the complement: TMEM127 is on the minus strand). VCF-style: chr2-96265353-G-T. GRCh37 (hg19) VCF-style: chr2-96931091-G-T.
Other names: c.29C>A, p.Pro10His (NM_001193304.3); c.-9+516C>A (NM_001407283.1); short protein forms P10H.
Identifiers: ClinVar variation 3807739 (VCV003807739.1).